The following is an entry in ClinVar:

ClinVar aggregate classification (germline): Benign/Likely benign. Review status: criteria provided, multiple submitters, no conflicts (2 of 4 stars). 4 submissions from 4 submitters: Benign (1); Likely benign (1). 2 of the submissions do not count toward it. Last evaluated 2026-09-01.

Conditions:
Agenesis of the corpus callosum with peripheral neuropathy (ACCPN). Also called: POLYNEUROPATHY, SENSORIMOTOR, WITH OR WITHOUT AGENESIS OF THE CORPUS CALLOSUM; HMSN/ACC; CHARLEVOIX DISEASE; Hereditary Motor and Sensory Neuropathy with Agenesis of the Corpus Callosum. Identifiers: Orphanet 1496, MedGen C0795950, MONDO:0000902, OMIM 218000. Disease mechanism: loss of function.
SLC12A6-related disorder. Also called: SLC12A6-related condition.

Allele frequency attached by ClinVar (database versions not stated): gnomAD 0.00011; TOPMed 0.00031.
gnomAD v4.1: 239 of 1,518,570 alleles (0.016%); highest among the groups gnomAD compares: Admixed American, 0.38%; 4 homozygotes.

Submissions (4):

CeGaT Center for Human Genetics Tuebingen
Classification: Likely benign. Last evaluated: 2026-09-01. Review status: criteria provided, single submitter. Criteria: CeGaT Center For Human Genetics Tuebingen Variant Classification Criteria Version 2. Collection method: clinical testing. Allele origin: germline. Affected: yes. Observed: 1 variant allele.
Comment: SLC12A6: BS2

Labcorp Genetics (formerly Invitae), Labcorp
Classification: Benign. Last evaluated: 2026-01-26. Review status: criteria provided, single submitter. Criteria: Invitae Variant Classification Sherloc (09022015). Collection method: clinical testing. Allele origin: germline.

Natera, Inc.
Classification: Likely benign for Andermann syndrome. Last evaluated: 2019-11-11. Review status: no assertion criteria provided. Collection method: clinical testing. Allele origin: germline. Not counted in ClinVar's aggregate classification.

PreventionGenetics, part of Exact Sciences
Classification: Likely benign for SLC12A6-related condition. Last evaluated: 2019-07-01. Review status: no assertion criteria provided. Collection method: clinical testing. Allele origin: germline. Not counted in ClinVar's aggregate classification.
Comment: This variant is classified as likely benign based on ACMG/AMP sequence variant interpretation guidelines (Richards et al. 2015 PMID: 25741868, with internal and published modifications).

NM_001365088.1(SLC12A6):c.319G>A (p.Asp107Asn)

Gene: SLC12A6 (solute carrier family 12 member 6; minus strand). Cytogenetic location: 15q14.
Variant type: single nucleotide variant.
Coding change: c.319G>A on transcript NM_001365088.1 (MANE Select); coding-DNA position 319, G replaced by A.
Protein change: p.Asp107Asn; replaces aspartic acid 107 with asparagine.
Molecular consequence: missense variant.
Genome position (GRCh38, 1-based): chr15:34,261,018, C>T on the plus strand (G>A on the coding strand, the complement: SLC12A6 is on the minus strand). VCF-style: chr15-34261018-C-T. GRCh37 (hg19) VCF-style: chr15-34553219-C-T.
Other names: c.142G>A, p.Asp48Asn (NM_001042494.2, NM_001042495.2); c.292G>A, p.Asp98Asn (NM_001042496.2); c.274G>A, p.Asp92Asn (NM_001042497.2); c.166G>A, p.Asp56Asn (NM_005135.2); c.319G>A, p.Asp107Asn (NM_133647.2); short protein forms D56N, D98N, D107N, D92N, D48N.
Identifiers: ClinVar variation 701839 (VCV000701839.14), dbSNP rs781088641, ClinGen allele CA7464593.